The following is an entry in ClinVar:

NM_005188.4(CBL):c.1126T>C (p.Ser376Pro)

Gene: CBL (Cbl proto-oncogene; plus strand). Cytogenetic location: 11q23.3.
Variant type: single nucleotide variant.
Coding change: c.1126T>C on transcript NM_005188.4 (MANE Select); coding-DNA position 1126, T replaced by C.
Protein change: p.Ser376Pro; replaces serine 376 with proline.
Molecular consequence: missense variant.
Genome position (GRCh38, 1-based): chr11:119,278,196, T>C. VCF-style: chr11-119278196-T-C. GRCh37 (hg19) VCF-style: chr11-119148906-T-C.
Other names: short protein forms S376P.
Identifiers: ClinVar variation 2663973 (VCV002663973.7), dbSNP rs2496939391, ClinGen allele CA382912403.

ClinVar aggregate classification (germline): Uncertain significance. Review status: criteria provided, multiple submitters, no conflicts (2 of 4 stars). 3 submissions from 3 submitters: Uncertain significance (3). Last evaluated 2026-01-18.

Conditions:
RASopathy. Also called: rasopathies; Noonan spectrum disorder. Identifiers: Orphanet 536391, MedGen C5555857, MONDO:0021060.
CBL-related disorder. Also called: NOONAN SYNDROME-LIKE DISORDER WITHOUT JUVENILE MYELOMONOCYTIC LEUKEMIA; CBL MUTATION-ASSOCIATED SYNDROME; CBL SYNDROME. Identifiers: Orphanet 363972, MedGen C3150803, MONDO:0013308, OMIM 613563.

Submissions (3):

Labcorp Genetics (formerly Invitae), Labcorp
Classification: Uncertain significance for RASopathy. Last evaluated: 2026-01-18. Review status: criteria provided, single submitter. Criteria: Invitae Variant Classification Sherloc (09022015). Collection method: clinical testing. Allele origin: germline.
Comment: This sequence change replaces serine, which is neutral and polar, with proline, which is neutral and non-polar, at codon 376 of the CBL protein (p.Ser376Pro). This variant is not present in population databases (gnomAD no frequency). This variant has not been reported in the literature in individuals affected with CBL-related conditions. ClinVar contains an entry for this variant (Variation ID: 2663973). Invitae Evidence Modeling of protein sequence and biophysical properties (such as structural, functional, and spatial information, amino acid conservation, physicochemical variation, residue mobility, and thermodynamic stability) indicates that this missense variant is expected to disrupt CBL protein function with a positive predictive value of 95%. In summary, the available evidence is currently insufficient to determine the role of this variant in disease. Therefore, it has been classified as a Variant of Uncertain Significance.

Victorian Clinical Genetics Services, Murdoch Childrens Research Institute
Classification: Uncertain significance for CBL-related disorder. Last evaluated: 2025-08-18. Review status: criteria provided, single submitter. Criteria: ACMG Guidelines, 2015. Collection method: clinical testing. Allele origin: germline. Affected: yes.
Comment: This variant is classified as VUS-3A. Evidence in support of pathogenic classification: Variant is absent from gnomAD (v2, v3 and v4); Missense variant predicted to be damaging by in silico tool(s) or highly conserved with a major amino acid change. Additional information: Variant is predicted to result in a missense amino acid change from serine to proline; This variant is suspected mosaic; This gene is associated with autosomal dominant disease; Alternative amino acid change(s) at the same position are present in gnomAD (Highest allele count: v4: 4 heterozygote(s), 0 homozygote(s)); Previous evidence of pathogenicity for this variant is inconclusive. This variant has been classified as a VUS by clinical laboratories in ClinVar; No published segregation evidence has been identified for this variant; No published functional evidence has been identified for this variant; No comparable missense variants have previous evidence for pathogenicity; Variant is located in the annotated linker region between the TKB domain and the RING finger domain (PMID: 20694012); The mechanism of disease for this gene is not clearly established. However, dominant negative is a likely mechanism of disease (PMID: 20619386, 20694012); Variants in this gene are known to have variable expressivity. Variants have been associated with phenotypic heterogeneity and variable expressivity (PMID: 25952305); Inheritance information for this variant is not currently available in this individual.

Center for Human Genetics and Genomic Medicine, Uniklinik Rwth Aachen
Classification: Uncertain significance for CBL-related disorder. Last evaluated: 2023-11-03. Review status: criteria provided, single submitter. Criteria: ACMG Guidelines, 2015. Collection method: clinical testing. Allele origin: maternal. Inheritance: Autosomal dominant inheritance. Affected: yes. Observed: 1 heterozygote.

Literature cited by the submitters: PubMed 20694012 (cited by Victorian Clinical Genetics Services, Murdoch Childrens Research Institute); PubMed 20619386 (cited by Victorian Clinical Genetics Services, Murdoch Childrens Research Institute); PubMed 25952305 (cited by Victorian Clinical Genetics Services, Murdoch Childrens Research Institute).